The following is an entry in ClinVar:

NM_000496.3(CRYBB2):c.451T>G (p.Trp151Gly)

Gene: CRYBB2 (crystallin beta B2; plus strand). Cytogenetic location: 22q11.23.
Variant type: single nucleotide variant.
Coding change: c.451T>G on transcript NM_000496.3 (MANE Select); coding-DNA position 451, T replaced by G.
Protein change: p.Trp151Gly; replaces tryptophan 151 with glycine.
Molecular consequence: missense variant.
Genome position (GRCh38, 1-based): chr22:25,231,605, T>G. VCF-style: chr22-25231605-T-G. GRCh37 (hg19) VCF-style: chr22-25627572-T-G.
Other names: short protein forms W151G.
Identifiers: ClinVar variation 4714827 (VCV004714827.1).

ClinVar aggregate classification (germline): Uncertain significance (1 of 4 stars; one submission).

Conditions:
Cataract 3 multiple types. Also called: CATARACT 3, MULTIPLE TYPES, WITH OR WITHOUT MICROCORNEA. Identifiers: Orphanet 1377, MedGen C1832175, MONDO:0011104, OMIM 601547.

Submission:

Labcorp Genetics (formerly Invitae), Labcorp
Classification: Uncertain significance for Cataract 3 multiple types. Last evaluated: 2025-03-10. Review status: criteria provided, single submitter. Criteria: Invitae Variant Classification Sherloc (09022015). Collection method: clinical testing. Allele origin: germline.
Comment: This sequence change replaces tryptophan, which is neutral and slightly polar, with glycine, which is neutral and non-polar, at codon 151 of the CRYBB2 protein (p.Trp151Gly). This variant is not present in population databases (gnomAD no frequency). This missense change has been observed in individual(s) with clinical features of congenital cataracts (internal data). An algorithm developed to predict the effect of missense changes on protein structure and function (PolyPhen-2) suggests that this variant is likely to be disruptive. This variant disrupts the p.Trp151 amino acid residue in CRYBB2. Other variant(s) that disrupt this residue have been determined to be pathogenic (PMID: 24312286). This suggests that this residue is clinically significant, and that variants that disrupt this residue are likely to be disease-causing. In summary, the available evidence is currently insufficient to determine the role of this variant in disease. Therefore, it has been classified as a Variant of Uncertain Significance.

Literature cited by the submitters: PubMed 24312286.